The following is an entry in ClinVar:

NM_001024630.4(RUNX2):c.1060T>C (p.Ser354Pro)

Gene: RUNX2 (RUNX family transcription factor 2; plus strand). Cytogenetic location: 6p21.1.
Variant type: single nucleotide variant.
Coding change: c.1060T>C on transcript NM_001024630.4 (MANE Select); coding-DNA position 1060, T replaced by C.
Protein change: p.Ser354Pro; replaces serine 354 with proline.
Molecular consequence: missense variant. On other transcripts: intron variant (2).
Genome position (GRCh38, 1-based): chr6:45,545,255, T>C. VCF-style: chr6-45545255-T-C. GRCh37 (hg19) VCF-style: chr6-45512992-T-C.
Other names: c.1018T>C, p.Ser340Pro (NM_001369405.1); c.1022-1572T>C (NM_001015051.4); c.980-1572T>C (NM_001278478.2); short protein forms S354P, S340P.
Identifiers: ClinVar variation 3679740 (VCV003679740.2).

ClinVar aggregate classification (germline): Uncertain significance (1 of 4 stars; one submission).

Submission:

Labcorp Genetics (formerly Invitae), Labcorp
Classification: Uncertain significance. Last evaluated: 2024-05-23. Review status: criteria provided, single submitter. Criteria: Invitae Variant Classification Sherloc (09022015). Collection method: clinical testing. Allele origin: germline.
Comment: This sequence change replaces serine, which is neutral and polar, with proline, which is neutral and non-polar, at codon 354 of the RUNX2 protein (p.Ser354Pro). This variant is not present in population databases (gnomAD no frequency). This variant has not been reported in the literature in individuals affected with RUNX2-related conditions. An algorithm developed to predict the effect of missense changes on protein structure and function (PolyPhen-2) suggests that this variant is likely to be tolerated. In summary, the available evidence is currently insufficient to determine the role of this variant in disease. Therefore, it has been classified as a Variant of Uncertain Significance.